The following is an entry in ClinVar:

NM_000088.4(COL1A1):c.574C>G (p.Pro192Ala)

Gene: COL1A1 (collagen type I alpha 1 chain; minus strand). Cytogenetic location: 17q21.33.
Variant type: single nucleotide variant.
Coding change: c.574C>G on transcript NM_000088.4 (MANE Select); coding-DNA position 574, C replaced by G.
Protein change: p.Pro192Ala; replaces proline 192 with alanine.
Molecular consequence: missense variant.
Genome position (GRCh38, 1-based): chr17:50,198,175, G>C on the plus strand (C>G on the coding strand, the complement: COL1A1 is on the minus strand). VCF-style: chr17-50198175-G-C. GRCh37 (hg19) VCF-style: chr17-48275536-G-C.
Other names: short protein forms P192A.
Identifiers: ClinVar variation 2504364 (VCV002504364.1), dbSNP rs1907764986, ClinGen allele CA400225587.

ClinVar aggregate classification (germline): Uncertain significance (1 of 4 stars; one submission).

Allele frequency attached by ClinVar (database versions not stated): TOPMed below 0.00001; gnomAD 0.00001.
gnomAD v4.1: 1 of 1,614,016 alleles (0.000062%); highest among the groups gnomAD compares: African/African-American, 0.0013%; no homozygotes.

Submission:

GeneDx
Classification: Uncertain significance. Last evaluated: 2022-12-01. Review status: criteria provided, single submitter. Criteria: GeneDx Variant Classification Process June 2021. Collection method: clinical testing. Allele origin: germline. Affected: yes.
Comment: Has not been previously published as pathogenic or benign to our knowledge; Not observed at significant frequency in large population cohorts (gnomAD); Occurs in the triple helical domain at the X position in the canonical Gly-X-Y repeat; although this variant may have an effect on normal protein folding and function, missense substitution at the X position is not a common mechanism of disease (HGMD); In silico analysis supports that this missense variant has a deleterious effect on protein structure/function